The following is an entry in ClinVar:

NM_012233.3(RAB3GAP1):c.*135C>G

Gene: RAB3GAP1 (RAB3 GTPase activating protein catalytic subunit 1; plus strand). Cytogenetic location: 2q21.3.
Variant type: single nucleotide variant.
Coding change: c.*135C>G on transcript NM_012233.3 (MANE Select); 135 bases downstream of the stop codon, C replaced by G.
Molecular consequence: 3 prime UTR variant.
Genome position (GRCh38, 1-based): chr2:135,168,916, C>G. VCF-style: chr2-135168916-C-G. GRCh37 (hg19) VCF-style: chr2-135926486-C-G.
Other names: c.*135C>G (NM_001172435.2).
Identifiers: ClinVar variation 331131 (VCV000331131.8), dbSNP rs10170125, ClinGen allele CA10610751.

ClinVar aggregate classification (germline): Benign. Review status: criteria provided, multiple submitters, no conflicts (2 of 4 stars). 3 submissions from 3 submitters: Benign (3). Last evaluated 2018-07-15.

Conditions:
Warburg micro syndrome 1 (WARBM1). Identifiers: Orphanet 2510, MedGen C1838625, MONDO:0010822, OMIM 600118.

Allele frequency attached by ClinVar (database versions not stated): 1000 Genomes Project 0.02776; TOPMed 0.02889; 1000 Genomes Project 30x 0.02780; gnomAD 0.02787 and 0.02573.
gnomAD v4.1: 6,329 of 804,306 alleles (0.79%); highest among the groups gnomAD compares: African/African-American, 8.8%; 231 homozygotes.

Submissions (3):

GeneDx
Classification: Benign. Last evaluated: 2018-07-15. Review status: criteria provided, single submitter. Criteria: GeneDx Variant Classification Process June 2021. Collection method: clinical testing. Allele origin: germline. Affected: yes.

Illumina Laboratory Services, Illumina
Classification: Benign for Warburg micro syndrome 1. Last evaluated: 2018-01-13. Review status: criteria provided, single submitter. Criteria: ICSL Variant Classification Criteria 13 December 2019. Collection method: clinical testing. Allele origin: germline.
Comment: This variant was observed in the ICSL laboratory as part of a predisposition screen in an ostensibly healthy population. It had not been previously curated by ICSL or reported in the Human Gene Mutation Database (HGMD: prior to June 1st, 2018), and was therefore a candidate for classification through an automated scoring system. Utilizing variant allele frequency, disease prevalence and penetrance estimates, and inheritance mode, an automated score was calculated to assess if this variant is too frequent to cause the disease. Based on the score and internal cut-off values, a variant classified as benign is not then subjected to further curation. The score for this variant resulted in a classification of benign for this disease.

Breakthrough Genomics
Classification: Benign. Review status: criteria provided, single submitter. Criteria: ACMG Guidelines, 2015. Collection method: not provided. Allele origin: germline. Inheritance: Autosomal recessive inheritance. Affected: yes.